The following is an entry in ClinVar:

ClinVar aggregate classification (germline): Conflicting classifications of pathogenicity. Review status: criteria provided, conflicting classifications (1 of 4 stars). 4 submissions from 3 submitters: Uncertain significance (2); Likely benign (2). Last evaluated 2026-01-21.

Conditions:
Waardenburg syndrome type 2A (WS2A). Also called: WAARDENBURG SYNDROME WITHOUT DYSTOPIA CANTHORUM. Identifiers: Orphanet 3440, MedGen C1860339, MONDO:0008671, OMIM 193510.
Tietz syndrome (TADS). Also called: ALBINISM-DEAFNESS OF TIETZ; HYPOPIGMENTATION/DEAFNESS OF TIETZ; TIETZ ALBINISM-DEAFNESS SYNDROME. Identifiers: Orphanet 42665, MedGen C0391816, MONDO:0007077, OMIM 103500.
Melanoma, cutaneous malignant, susceptibility to, 8. Also called: MELANOMA AND RENAL CELL CARCINOMA, SUSCEPTIBILITY TO; Cutaneous malignant melanoma 8. Identifiers: Orphanet 293822, MedGen C3152204, MONDO:0013759, OMIM 614456.

Allele frequency attached by ClinVar (database versions not stated): gnomAD 0.00001; gnomAD exomes 0.00001 and 0.00003; TOPMed 0.00001; ExAC 0.00002.
gnomAD v4.1: 42 of 1,614,002 alleles (0.0026%); highest among the groups gnomAD compares: Non-Finnish European, 0.0033%; no homozygotes.

Submissions (4):

Labcorp Genetics (formerly Invitae), Labcorp
Classification: Uncertain significance for Melanoma, cutaneous malignant, susceptibility to, 8; Waardenburg syndrome type 2A; Tietz syndrome. Last evaluated: 2026-01-21. Review status: criteria provided, single submitter. Criteria: Invitae Variant Classification Sherloc (09022015). Collection method: clinical testing. Allele origin: germline.
Comment: This sequence change replaces lysine, which is basic and polar, with arginine, which is basic and polar, at codon 248 of the MITF protein (p.Lys248Arg). This variant is present in population databases (rs751147980, gnomAD 0.002%). This variant has not been reported in the literature in individuals affected with MITF-related conditions. ClinVar contains an entry for this variant (Variation ID: 902086). Invitae Evidence Modeling of protein sequence and biophysical properties (such as structural, functional, and spatial information, amino acid conservation, physicochemical variation, residue mobility, and thermodynamic stability) indicates that this missense variant is not expected to disrupt MITF protein function with a negative predictive value of 80%. In summary, the available evidence is currently insufficient to determine the role of this variant in disease. Therefore, it has been classified as a Variant of Uncertain Significance.

GeneDx
Classification: Uncertain significance. Last evaluated: 2025-05-20. Review status: criteria provided, single submitter. Criteria: GeneDx Variant Classification Process June 2021. Collection method: clinical testing. Allele origin: germline. Affected: yes.
Comment: In silico analysis supports that this missense variant has a deleterious effect on protein structure/function; Has not been previously published as pathogenic or benign to our knowledge

Illumina Laboratory Services, Illumina
Classification: Likely benign for Waardenburg syndrome type 2A. Last evaluated: 2018-01-13. Review status: criteria provided, single submitter. Criteria: ICSL Variant Classification Criteria 13 December 2019. Collection method: clinical testing. Allele origin: germline.
Comment: This variant was observed in the ICSL laboratory as part of a predisposition screen in an ostensibly healthy population. It had not been previously curated by ICSL or reported in the Human Gene Mutation Database (HGMD: prior to June 1st, 2018), and was therefore a candidate for classification through an automated scoring system. Utilizing variant allele frequency, disease prevalence and penetrance estimates, and inheritance mode, an automated score was calculated to assess if this variant is too frequent to cause the disease. Based on the score and internal cut-off values, a variant classified as likely benign is not then subjected to further curation. The score for this variant resulted in a classification of likely benign for this disease.

Illumina Laboratory Services, Illumina
Classification: Likely benign for Tietz syndrome. Last evaluated: 2018-01-13. Review status: criteria provided, single submitter. Criteria: ICSL Variant Classification Criteria 13 December 2019. Collection method: clinical testing. Allele origin: germline.
Comment: the same text as in the submission from Illumina Laboratory Services, Illumina above.

NM_001354604.2(MITF):c.1064A>G (p.Lys355Arg)

Gene: MITF (melanocyte inducing transcription factor; plus strand). Cytogenetic location: 3p13.
Variant type: single nucleotide variant.
Coding change: c.1064A>G on transcript NM_001354604.2 (MANE Select); coding-DNA position 1064, A replaced by G.
Protein change: p.Lys355Arg; replaces lysine 355 with arginine.
Molecular consequence: missense variant.
Genome position (GRCh38, 1-based): chr3:69,959,305, A>G. VCF-style: chr3-69959305-A-G. GRCh37 (hg19) VCF-style: chr3-70008456-A-G.
Other names: c.743A>G, p.Lys248Arg (NM_000248.4); c.890A>G, p.Lys297Arg (NM_001184967.2, NM_001354608.2); c.1061A>G, p.Lys354Arg (NM_001354605.2); c.1043A>G, p.Lys348Arg (NM_001354606.2, NM_006722.3); c.995A>G, p.Lys332Arg (NM_001354607.2); c.725A>G, p.Lys242Arg (NM_198158.3); c.1046A>G, p.Lys349Arg (NM_198159.3); c.998A>G, p.Lys333Arg (NM_198177.3); and 1 more; short protein forms K297R, K186R, K248R, K332R, K348R, K349R, K242R, K333R.
Identifiers: ClinVar variation 902086 (VCV000902086.7), dbSNP rs751147980, ClinGen allele CA2490565.